The following is an entry in ClinVar:

ClinVar aggregate classification (germline): Pathogenic (1 of 4 stars; one submission).

Conditions:
Anemia, nonspherocytic hemolytic, due to G6PD deficiency (CNSHA1). Also called: Hemolytic anemia due to G6PD deficiency; Class I glucose-6-phosphate dehydrogenase deficiency; Favism, susceptibility to; ANEMIA, CONGENITAL, NONSPHEROCYTIC HEMOLYTIC, 1. Identifiers: Orphanet 466026, MedGen C2720289, MONDO:0010480, OMIM 300908.

Submission:

Dunham Lab, University of Washington
Classification: Pathogenic for Anemia, nonspherocytic hemolytic, due to G6PD deficiency. Last evaluated: 2022-08-12. Review status: criteria provided, single submitter. Criteria: Bayesian ACMG Guidelines, 2018. Collection method: curation. Allele origin: unknown. Affected: yes.
Comment: Undetectable activity in red blood cells (PS3). Within dimer interface (PM1). Affects same amino acid as pathogenic 385C>R (ClinVar ID 10377) (PM5). Predicted to be pathogenic or deleterious by several in silico tools (PP3). Not found in gnomAD (PM2). Post_P 0.999 (odds of pathogenicity 6568, Prior_P 0.1).

Literature cited by the submitters: PubMed 9332310; PubMed 28028996; PubMed 31294066.

NM_001360016.2(G6PD):c.1155C>G (p.Cys385Trp)

Gene: G6PD (glucose-6-phosphate dehydrogenase; minus strand). Cytogenetic location: Xq28.
Variant type: single nucleotide variant.
Coding change: c.1155C>G on transcript NM_001360016.2 (MANE Select); coding-DNA position 1155, C replaced by G.
Protein change: p.Cys385Trp; replaces cysteine 385 with tryptophan.
Molecular consequence: missense variant.
Genome position (GRCh38, 1-based): chrX:154,532,699, G>C on the plus strand (C>G on the coding strand, the complement: G6PD is on the minus strand). VCF-style: chrX-154532699-G-C. GRCh37 (hg19) VCF-style: chrX-153760914-G-C.
Other names: G6PD Madrid; c.1245C>G, p.Cys415Trp (NM_000402.4); c.1155C>G, p.Cys385Trp (NM_001042351.3); short protein forms C385W, C415W.
Identifiers: ClinVar variation 1722671 (VCV001722671.2), dbSNP rs2523262775, ClinGen allele CA415234101.